The following is an entry in ClinVar:

NM_014272.5(ADAMTS7):c.3252C>T (p.Pro1084=)

Gene: ADAMTS7 (ADAM metallopeptidase with thrombospondin type 1 motif 7; minus strand). Cytogenetic location: 15q25.1.
Variant type: single nucleotide variant.
Coding change: c.3252C>T on transcript NM_014272.5 (MANE Select); coding-DNA position 3252, C replaced by T.
Protein change: p.Pro1084=; no amino-acid change (proline 1084 retained).
Molecular consequence: synonymous variant.
Genome position (GRCh38, 1-based): chr15:78,766,659, G>A on the plus strand (C>T on the coding strand, the complement: ADAMTS7 is on the minus strand). VCF-style: chr15-78766659-G-A. GRCh37 (hg19) VCF-style: chr15-79059001-G-A.
Identifiers: ClinVar variation 2645618 (VCV002645618.24), dbSNP rs78079545, ClinGen allele CA7685835.

ClinVar aggregate classification (germline): Likely benign (1 of 4 stars; one submission).

Allele frequency attached by ClinVar (database versions not stated): 1000 Genomes Project 30x 0.00141; 1000 Genomes Project 0.00180; TOPMed 0.00233; ESP Exome Variant Server 0.00325.
gnomAD v4.1: 5,095 of 1,606,568 alleles (0.32%); highest among the groups gnomAD compares: East Asian, 0.46%; 13 homozygotes.

Submission:

CeGaT Center for Human Genetics Tuebingen
Classification: Likely benign. Last evaluated: 2023-01-01. Review status: criteria provided, single submitter. Criteria: CeGaT Center For Human Genetics Tuebingen Variant Classification Criteria Version 2. Collection method: clinical testing. Allele origin: germline. Affected: yes. Observed: 1 variant allele.
Comment: ADAMTS7: BP4, BP7